The following is an entry in ClinVar:

ClinVar aggregate classification (germline): Uncertain significance. Review status: criteria provided, multiple submitters, no conflicts (2 of 4 stars). 2 submissions from 2 submitters: Uncertain significance (2). Last evaluated 2024-06-19.

Conditions:
Hemolytic uremic syndrome, atypical, susceptibility to, 1. Also called: AHUS, SUSCEPTIBILITY TO, 1. Identifiers: Orphanet 2134, Orphanet 90038, MedGen C2749604, MONDO:0009335, OMIM 235400. Disease mechanism: Other.
Basal laminar drusen. Also called: DRUSEN OF BRUCH MEMBRANE; DRUSEN, CUTICULAR; DRUSEN, EARLY ADULT-ONSET, GROUPED. Identifiers: Orphanet 75376, MedGen C0730295, MONDO:0007472, OMIM 126700.
Factor H deficiency (CFHD). Also called: COMPLEMENT FACTOR H DEFICIENCY; CFH DEFICIENCY. Identifiers: Orphanet 200421, MedGen C0398777, MONDO:0012350, OMIM 609814.
Age related macular degeneration 4. Identifiers: MedGen C1853147, MONDO:0012540, OMIM 610698.

gnomAD v4.1: 26 of 1,600,736 alleles (0.0016%); highest among the groups gnomAD compares: Non-Finnish European, 0.0021%; no homozygotes.

Submissions (2):

Fulgent Genetics
Classification: Uncertain significance for Basal laminar drusen; Hemolytic uremic syndrome, atypical, susceptibility to, 1; Factor H deficiency; Age related macular degeneration 4. Last evaluated: 2024-06-19. Review status: criteria provided, single submitter. Criteria: ACMG Guidelines, 2015. Collection method: clinical testing. Allele origin: germline.

Labcorp Genetics (formerly Invitae), Labcorp
Classification: Uncertain significance. Last evaluated: 2024-06-02. Review status: criteria provided, single submitter. Criteria: Invitae Variant Classification Sherloc (09022015). Collection method: clinical testing. Allele origin: germline.
Comment: This sequence change replaces serine, which is neutral and polar, with leucine, which is neutral and non-polar, at codon 209 of the CFH protein (p.Ser209Leu). This variant is present in population databases (rs779540470, gnomAD 0.003%). This variant has not been reported in the literature in individuals affected with CFH-related conditions. Algorithms developed to predict the effect of missense changes on protein structure and function output the following: SIFT: "Not Available"; PolyPhen-2: "Benign"; Align-GVGD: "Not Available". The leucine amino acid residue is found in multiple mammalian species, which suggests that this missense change does not adversely affect protein function. Algorithms developed to predict the effect of sequence changes on RNA splicing suggest that this variant may disrupt the consensus splice site. In summary, the available evidence is currently insufficient to determine the role of this variant in disease. Therefore, it has been classified as a Variant of Uncertain Significance.

NM_000186.4(CFH):c.626C>T (p.Ser209Leu)

Gene: CFH (complement factor H; plus strand). Cytogenetic location: 1q31.3.
Variant type: single nucleotide variant.
Coding change: c.626C>T on transcript NM_000186.4 (MANE Select); coding-DNA position 626, C replaced by T.
Protein change: p.Ser209Leu; replaces serine 209 with leucine.
Molecular consequence: missense variant.
Genome position (GRCh38, 1-based): chr1:196,679,629, C>T. VCF-style: chr1-196679629-C-T. GRCh37 (hg19) VCF-style: chr1-196648759-C-T.
Other names: c.626C>T, p.Ser209Leu (NM_001014975.3); short protein forms S209L.
Identifiers: ClinVar variation 3575266 (VCV003575266.3).